The following is an entry in ClinVar:

NM_000293.3(PHKB):c.713C>A (p.Ser238Ter)

Gene: PHKB (phosphorylase kinase regulatory subunit beta; plus strand). Cytogenetic location: 16q12.1.
Variant type: single nucleotide variant.
Coding change: c.713C>A on transcript NM_000293.3 (MANE Select); coding-DNA position 713, C replaced by A.
Protein change: p.Ser238Ter; replaces serine 238 with a stop codon.
Molecular consequence: nonsense.
Genome position (GRCh38, 1-based): chr16:47,580,297, C>A. VCF-style: chr16-47580297-C-A. GRCh37 (hg19) VCF-style: chr16-47614208-C-A.
Other names: c.692C>A, p.Ser231Ter (NM_001031835.3); c.713C>A, p.Ser238Ter (NM_001363837.1); short protein forms S238*, S231*.
Identifiers: ClinVar variation 2868259 (VCV002868259.3), dbSNP rs748242735, ClinGen allele CA395793336.

ClinVar aggregate classification (germline): Pathogenic (1 of 4 stars; one submission).

Conditions:
Glycogen storage disease IXb (GSD9B). Also called: PHOSPHORYLASE KINASE DEFICIENCY OF LIVER AND MUSCLE, AUTOSOMAL RECESSIVE; GLYCOGENOSIS OF LIVER AND MUSCLE, AUTOSOMAL RECESSIVE; GSD IXb. Identifiers: Orphanet 79240, MedGen C0543514, MONDO:0009868, OMIM 261750.

gnomAD v4.1: 3 of 1,611,306 alleles (0.00019%); highest among the groups gnomAD compares: Non-Finnish European, 0.00025%; no homozygotes.

Submission:

Labcorp Genetics (formerly Invitae), Labcorp
Classification: Pathogenic for Glycogen storage disease IXb. Last evaluated: 2023-08-29. Review status: criteria provided, single submitter. Criteria: Invitae Variant Classification Sherloc (09022015). Collection method: clinical testing. Allele origin: germline.
Comment: For these reasons, this variant has been classified as Pathogenic. Algorithms developed to predict the effect of sequence changes on RNA splicing suggest that this variant may create or strengthen a splice site. This variant has not been reported in the literature in individuals affected with PHKB-related conditions. This variant is present in population databases (no rsID available, gnomAD 0.0009%). This sequence change creates a premature translational stop signal (p.Ser238*) in the PHKB gene. It is expected to result in an absent or disrupted protein product. Loss-of-function variants in PHKB are known to be pathogenic (PMID: 9215682, 9326319).

Literature cited by the submitters: PubMed 9215682; PubMed 9326319.